The following is an entry in ClinVar:

NM_005591.4(MRE11):c.52G>A (p.Ala18Thr)

Gene: MRE11 (MRE11 double strand break repair nuclease; minus strand). Cytogenetic location: 11q21.
Variant type: single nucleotide variant.
Coding change: c.52G>A on transcript NM_005591.4 (MANE Select); coding-DNA position 52, G replaced by A.
Protein change: p.Ala18Thr; replaces alanine 18 with threonine.
Molecular consequence: missense variant.
Genome position (GRCh38, 1-based): chr11:94,490,934, C>T on the plus strand (G>A on the coding strand, the complement: MRE11 is on the minus strand). VCF-style: chr11-94490934-C-T. GRCh37 (hg19) VCF-style: chr11-94224100-C-T.
Other names: c.52G>A, p.Ala18Thr (NM_001330347.2, NM_005590.4); short protein forms A18T.
Identifiers: ClinVar variation 1799701 (VCV001799701.3), dbSNP rs2496653682, ClinGen allele CA382381028.

ClinVar aggregate classification (germline): Uncertain significance. Review status: criteria provided, multiple submitters, no conflicts (2 of 4 stars). 2 submissions from 2 submitters: Uncertain significance (2). Last evaluated 2024-08-21.

Conditions:
Hereditary cancer-predisposing syndrome. Also called: Hereditary neoplastic syndrome; Neoplastic Syndromes, Hereditary; Tumor predisposition; Hereditary Cancer Syndrome. Identifiers: Orphanet 140162, MedGen C0027672, MeSH D009386, MONDO:0015356.

Submissions (2):

Blueprint Genetics
Classification: Uncertain significance. Last evaluated: 2024-08-21. Review status: criteria provided, single submitter. Criteria: ACMG Guidelines, 2015. Collection method: clinical testing. Allele origin: germline.

Ambry Genetics
Classification: Uncertain significance for Hereditary cancer-predisposing syndrome. Last evaluated: 2015-11-03. Review status: criteria provided, single submitter. Criteria: Ambry Variant Classification Scheme 2023. Collection method: clinical testing. Allele origin: germline.
Comment: The p.A18T variant (also known as c.52G>A), located in coding exon 2 of the MRE11A gene, results from a G to A substitution at nucleotide position 52. The alanine at codon 18 is replaced by threonine, an amino acid with similar properties. This variant was not reported in population based cohorts in the following databases: Database of Single Nucleotide Polymorphisms (dbSNP), NHLBI Exome Sequencing Project (ESP), and 1000 Genomes Project. In the ESP, this variant was not observed in 6499 samples (12998 alleles) with coverage at this position. To date, this alteration has been detected with an allele frequency of approximately 0.001% (greater than 120000 alleles tested) in our clinical cohort. This amino acid position is highly conserved in available vertebrate species. In addition, the in silico prediction for this alteration is inconclusive. Since supporting evidence is limited at this time, the clinical significance of p.A18T remains unclear.